The following is an entry in ClinVar:

NM_000327.4(ROM1):c.286T>G (p.Trp96Gly)

Gene: ROM1 (retinal outer segment membrane protein 1; plus strand). Cytogenetic location: 11q12.3.
Variant type: single nucleotide variant.
Coding change: c.286T>G on transcript NM_000327.4 (MANE Select); coding-DNA position 286, T replaced by G.
Protein change: p.Trp96Gly; replaces tryptophan 96 with glycine.
Molecular consequence: missense variant.
Genome position (GRCh38, 1-based): chr11:62,613,567, T>G. VCF-style: chr11-62613567-T-G. GRCh37 (hg19) VCF-style: chr11-62381039-T-G.
Other names: c.286T>G (NM_000327.3); short protein forms W96G.
Identifiers: ClinVar variation 1051225 (VCV001051225.11), dbSNP rs747994561, ClinGen allele CA6049689.
Genomic context (GRCh38, chr11:62,613,567, plus strand): 5'-ACAGGACTAGTGGGTGTAGGAGCCAGCCGGGCAAGTCTGAATGCAGCTCTATACCCTCCC[T>G]GGCGAGGGGTCCTGGGCCCGCTGCTGGTGGCTGGCACGGCTGGTGGGGGGGGGCTCCTGG-3'
Protein context (NP_000318.2, residues 86-106): ASLNAALYPP[Trp96Gly]RGVLGPLLVA

ClinVar aggregate classification (germline): Uncertain significance. Review status: criteria provided, multiple submitters, no conflicts (2 of 4 stars). 2 submissions from 2 submitters: Uncertain significance (2). Last evaluated 2025-02-06.

Allele frequency attached by ClinVar (database versions not stated): ExAC 0.00001; gnomAD exomes 0.00001 and 0.00004; gnomAD 0.00002 and 0.00003; TOPMed 0.00003.
gnomAD v4.1: 57 of 1,613,384 alleles (0.0035%); highest among the groups gnomAD compares: Non-Finnish European, 0.0046%; no homozygotes.

Submissions (2):

Labcorp Genetics (formerly Invitae), Labcorp
Classification: Uncertain significance. Last evaluated: 2025-02-06. Review status: criteria provided, single submitter. Criteria: Invitae Variant Classification Sherloc (09022015). Collection method: clinical testing. Allele origin: germline.
Comment: This sequence change replaces tryptophan, which is neutral and slightly polar, with glycine, which is neutral and non-polar, at codon 96 of the ROM1 protein (p.Trp96Gly). This variant is present in population databases (rs747994561, gnomAD 0.004%). This variant has not been reported in the literature in individuals affected with ROM1-related conditions. ClinVar contains an entry for this variant (Variation ID: 1051225). Invitae Evidence Modeling of protein sequence and biophysical properties (such as structural, functional, and spatial information, amino acid conservation, physicochemical variation, residue mobility, and thermodynamic stability) indicates that this missense variant is not expected to disrupt ROM1 protein function with a negative predictive value of 80%. In summary, the available evidence is currently insufficient to determine the role of this variant in disease. Therefore, it has been classified as a Variant of Uncertain Significance.

Ambry Genetics
Classification: Uncertain significance. Last evaluated: 2023-09-26. Review status: criteria provided, single submitter. Criteria: Ambry Variant Classification Scheme 2023. Collection method: clinical testing. Allele origin: germline.